The following is an entry in ClinVar:

NM_000268.4(NF2):c.425C>A (p.Ala142Asp)

Gene: NF2 (NF2, moesin-ezrin-radixin like (MERLIN) tumor suppressor; plus strand). Cytogenetic location: 22q12.2.
Variant type: single nucleotide variant.
Coding change: c.425C>A on transcript NM_000268.4 (MANE Select); coding-DNA position 425, C replaced by A.
Protein change: p.Ala142Asp; replaces alanine 142 with aspartic acid.
Molecular consequence: missense variant. On other transcripts: non-coding transcript variant (1).
Genome position (GRCh38, 1-based): chr22:29,642,263, C>A. VCF-style: chr22-29642263-C-A. GRCh37 (hg19) VCF-style: chr22-30038252-C-A.
Other names: c.311C>A, p.Ala104Asp (NM_001407053.1, NM_001407056.1); c.302C>A, p.Ala101Asp (NM_001407054.1, NM_001407058.1, NM_001407062.1 and 1 more transcripts); c.299C>A, p.Ala100Asp (NM_001407055.1, NM_181828.3); c.425C>A, p.Ala142Asp (NM_001407057.1, NM_001407059.1, NM_001407060.1 and 5 more transcripts); c.176C>A, p.Ala59Asp (NM_001407063.1, NM_001407064.1, NM_181830.3 and 1 more transcripts); c.-216C>A (NM_001407065.1); c.194C>A, p.Ala65Asp (NM_001407067.1); short protein forms A100D, A59D, A104D, A65D, A101D, A142D.
Identifiers: ClinVar variation 1739149 (VCV001739149.2), dbSNP rs1388544922, ClinGen allele CA411153847.

ClinVar aggregate classification (germline): Uncertain significance (1 of 4 stars; one submission).

Conditions:
Hereditary cancer-predisposing syndrome. Also called: Hereditary Cancer Syndrome; Hereditary neoplastic syndrome; Neoplastic Syndromes, Hereditary; Tumor predisposition. Identifiers: Orphanet 140162, MedGen C0027672, MeSH D009386, MONDO:0015356.

Submission:

Ambry Genetics
Classification: Uncertain significance for Hereditary cancer-predisposing syndrome. Last evaluated: 2022-03-19. Review status: criteria provided, single submitter. Criteria: Ambry Variant Classification Scheme 2023. Collection method: clinical testing. Allele origin: germline.
Comment: The p.A142D variant (also known as c.425C>A), located in coding exon 4 of the NF2 gene, results from a C to A substitution at nucleotide position 425. The alanine at codon 142 is replaced by aspartic acid, an amino acid with dissimilar properties. This amino acid position is conserved. In addition, this alteration is predicted to be deleterious by in silico analysis. Since supporting evidence is limited at this time, the clinical significance of this alteration remains unclear.